The following is an entry in ClinVar:

ClinVar aggregate classification (germline): Uncertain significance. Review status: criteria provided, multiple submitters, no conflicts (2 of 4 stars). 2 submissions from 2 submitters: Uncertain significance (2). Last evaluated 2026-01-12.

Allele frequency attached by ClinVar (database versions not stated): ExAC 0.00001; gnomAD 0.00001; gnomAD exomes 0.00001; TOPMed 0.00002.

Submissions (2):

Labcorp Genetics (formerly Invitae), Labcorp
Classification: Uncertain significance. Last evaluated: 2026-01-12. Review status: criteria provided, single submitter. Criteria: Invitae Variant Classification Sherloc (09022015). Collection method: clinical testing. Allele origin: germline.
Comment: This sequence change replaces arginine, which is basic and polar, with tryptophan, which is neutral and slightly polar, at codon 753 of the XPC protein (p.Arg753Trp). This variant is present in population databases (rs758409749, gnomAD 0.004%). This variant has not been reported in the literature in individuals affected with XPC-related conditions. ClinVar contains an entry for this variant (Variation ID: 1810487). Invitae Evidence Modeling of protein sequence and biophysical properties (such as structural, functional, and spatial information, amino acid conservation, physicochemical variation, residue mobility, and thermodynamic stability) indicates that this missense variant is expected to disrupt XPC protein function with a positive predictive value of 80%. In summary, the available evidence is currently insufficient to determine the role of this variant in disease. Therefore, it has been classified as a Variant of Uncertain Significance.

GeneDx
Classification: Uncertain significance. Last evaluated: 2022-07-05. Review status: criteria provided, single submitter. Criteria: GeneDx Variant Classification Process June 2021. Collection method: clinical testing. Allele origin: germline. Affected: yes.
Comment: In silico analysis supports that this missense variant has a deleterious effect on protein structure/function; Has not been previously published as pathogenic or benign to our knowledge

NM_004628.5(XPC):c.2257C>T (p.Arg753Trp)

Gene: XPC (XPC complex subunit, DNA damage recognition and repair factor; minus strand). Cytogenetic location: 3p25.1.
Variant type: single nucleotide variant.
Coding change: c.2257C>T on transcript NM_004628.5 (MANE Select); coding-DNA position 2257, C replaced by T.
Protein change: p.Arg753Trp; replaces arginine 753 with tryptophan.
Molecular consequence: missense variant. On other transcripts: non-coding transcript variant (2).
Genome position (GRCh38, 1-based): chr3:14,148,725, G>A on the plus strand (C>T on the coding strand, the complement: XPC is on the minus strand). VCF-style: chr3-14148725-G-A. GRCh37 (hg19) VCF-style: chr3-14190225-G-A.
Other names: c.1678C>T, p.Arg560Trp (NM_001354726.2); c.2251C>T, p.Arg751Trp (NM_001354727.2); c.2239C>T, p.Arg747Trp (NM_001354729.2); c.2011C>T, p.Arg671Trp (NM_001354730.2); short protein forms R560W, R747W, R671W, R753W, R751W.
Identifiers: ClinVar variation 1810487 (VCV001810487.2), dbSNP rs758409749, ClinGen allele CA2267197.